The following is an entry in ClinVar:

NM_172364.5(CACNA2D4):c.3349del (p.Ala1117fs)

Gene: CACNA2D4 (calcium voltage-gated channel auxiliary subunit alpha2delta 4; minus strand). Cytogenetic location: 12p13.33.
Variant type: Deletion.
Coding change: c.3349del on transcript NM_172364.5 (MANE Select); coding-DNA position 3349, one base deleted (G; older notation c.3349delG).
Protein change: p.Ala1117fs; shifts the reading frame from alanine 1117.
Molecular consequence: frameshift variant.
Genome position (GRCh38, 1-based): chr12:1,793,720, C deleted on the plus strand (G on the coding strand, the reverse complement: CACNA2D4 is on the minus strand). VCF-style (leftmost placement, unchanged base first): chr12-1793719-GC-G. GRCh37 (hg19) VCF-style: chr12-1902885-GC-G.
Other names: short protein forms A1117fs.
Identifiers: ClinVar variation 1407117 (VCV001407117.7), dbSNP rs775096534, ClinGen allele CA6385937.
Genomic context (GRCh38, chr12:1,793,719, plus strand): 5'-CGCAGGAGTTGGGGCAGTAGCCCCCAGGCACACACAGGCAGCAGGAGTAGGGGCGGCGAG[GC>G]TGAGGTGTCCGAGGCGCCGCCGCAGTCCTGGGCATTCTCCTGCGAACGCAGAGCAGAGGT-3'

ClinVar aggregate classification (germline): Uncertain significance. Review status: criteria provided, multiple submitters, no conflicts (2 of 4 stars). 2 submissions from 2 submitters: Uncertain significance (2). Last evaluated 2021-11-01.

Allele frequency attached by ClinVar (database versions not stated): gnomAD exomes below 0.00001 and 0.00001; TOPMed below 0.00001; ExAC 0.00001; gnomAD 0.00001.

Submissions (2):

Labcorp Genetics (formerly Invitae), Labcorp
Classification: Uncertain significance. Last evaluated: 2021-11-01. Review status: criteria provided, single submitter. Criteria: Invitae Variant Classification Sherloc (09022015). Collection method: clinical testing. Allele origin: germline.
Comment: In summary, the available evidence is currently insufficient to determine the role of this variant in disease. Therefore, it has been classified as a Variant of Uncertain Significance. Experimental studies and prediction algorithms are not available or were not evaluated, and the functional significance of this variant is currently unknown. This variant has not been reported in the literature in individuals affected with CACNA2D4-related conditions. This variant is present in population databases (rs775096534, gnomAD 0.002%). This sequence change results in a frameshift in the CACNA2D4 gene (p.Ala1117Profs*50). While this is not anticipated to result in nonsense mediated decay, it is expected to disrupt the last 21 amino acid(s) of the CACNA2D4 protein and extend the protein by 28 additional amino acid residues.

Blueprint Genetics
Classification: Uncertain significance. Last evaluated: 2021-04-14. Review status: criteria provided, single submitter. Criteria: ACMG Guidelines, 2015. Collection method: clinical testing. Allele origin: germline.